The following is an entry in ClinVar:

NM_020745.4(AARS2):c.2362C>G (p.Gln788Glu)

Gene: AARS2 (alanyl-tRNA synthetase 2, mitochondrial; minus strand). Cytogenetic location: 6p21.1.
Variant type: single nucleotide variant.
Coding change: c.2362C>G on transcript NM_020745.4 (MANE Select); coding-DNA position 2362, C replaced by G.
Protein change: p.Gln788Glu; replaces glutamine 788 with glutamic acid.
Molecular consequence: missense variant.
Genome position (GRCh38, 1-based): chr6:44,302,804, G>C on the plus strand (C>G on the coding strand, the complement: AARS2 is on the minus strand). VCF-style: chr6-44302804-G-C. GRCh37 (hg19) VCF-style: chr6-44270541-G-C.
Other names: short protein forms Q788E.
Identifiers: ClinVar variation 1959964 (VCV001959964.5), dbSNP rs1257761446, ClinGen allele CA364337070.
Genomic context (GRCh38, chr6:44,302,804, plus strand): 5'-TGCGTGTGTCCCATGCACCCACTCAACCCAGAAGTCCCAGGCCTACTGGCATGCTGACCT[G>C]CTGGGCCTGCTCCCCAGTGACGGCCAGCAGGCGGGTAGTGCCCTTGGAAAGCTGGCGGTC-3'
Protein context (NP_065796.2, residues 778-798): LLAVTGEQAQ[Gln788Glu]ARELGQSLAQ

ClinVar aggregate classification (germline): Uncertain significance (1 of 4 stars; one submission).

gnomAD v4.1: 3 of 1,612,956 alleles (0.00019%); highest among the groups gnomAD compares: Admixed American, 0.005%; no homozygotes.

Submission:

Labcorp Genetics (formerly Invitae), Labcorp
Classification: Uncertain significance. Last evaluated: 2022-04-24. Review status: criteria provided, single submitter. Criteria: Invitae Variant Classification Sherloc (09022015). Collection method: clinical testing. Allele origin: germline.
Comment: This variant is present in population databases (no rsID available, gnomAD 0.009%). In summary, the available evidence is currently insufficient to determine the role of this variant in disease. Therefore, it has been classified as a Variant of Uncertain Significance. Algorithms developed to predict the effect of missense changes on protein structure and function (SIFT, PolyPhen-2, Align-GVGD) all suggest that this variant is likely to be tolerated. This variant has not been reported in the literature in individuals affected with AARS2-related conditions. This sequence change replaces glutamine, which is neutral and polar, with glutamic acid, which is acidic and polar, at codon 788 of the AARS2 protein (p.Gln788Glu).